The following is an entry in ClinVar:

ClinVar aggregate classification (germline): Pathogenic (1 of 4 stars; one submission).

Submission:

Labcorp Genetics (formerly Invitae), Labcorp
Classification: Pathogenic. Last evaluated: 2025-02-20. Review status: criteria provided, single submitter. Criteria: Invitae Variant Classification Sherloc (09022015). Collection method: clinical testing. Allele origin: germline.
Comment: This sequence change creates a premature translational stop signal (p.Glu2*) in the ENPP1 gene. It is expected to result in an absent or disrupted protein product. Loss-of-function variants in ENPP1 are known to be pathogenic (PMID: 12881724, 15605415, 16369898, 20016754, 20137773, 22539483). The frequency data for this variant in the population databases is considered unreliable, as metrics indicate insufficient coverage at this position in the gnomAD database. This variant has not been reported in the literature in individuals affected with ENPP1-related conditions. For these reasons, this variant has been classified as Pathogenic.

Literature cited by the submitters: PubMed 12881724; PubMed 15605415; PubMed 16369898; PubMed 20016754; PubMed 20137773; PubMed 22539483.

NM_006208.3(ENPP1):c.4G>T (p.Glu2Ter)

Gene: ENPP1 (ectonucleotide pyrophosphatase/phosphodiesterase 1; plus strand). Cytogenetic location: 6q23.2.
Variant type: single nucleotide variant.
Coding change: c.4G>T on transcript NM_006208.3 (MANE Select); coding-DNA position 4, G replaced by T.
Protein change: p.Glu2Ter; replaces glutamic acid 2 with a stop codon.
Molecular consequence: nonsense.
Genome position (GRCh38, 1-based): chr6:131,808,039, G>T. VCF-style: chr6-131808039-G-T. GRCh37 (hg19) VCF-style: chr6-132129179-G-T.
Other names: short protein forms E2*.
Identifiers: ClinVar variation 4766677 (VCV004766677.1).